The following is an entry in ClinVar:

NM_000494.4(COL17A1):c.53-10C>T

Gene: COL17A1 (collagen type XVII alpha 1 chain; minus strand). Cytogenetic location: 10q25.1.
Variant type: single nucleotide variant.
Coding change: c.53-10C>T on transcript NM_000494.4 (MANE Select); 10 bases into the intron before coding-DNA position 53, C replaced by T.
Molecular consequence: intron variant.
Genome position (GRCh38, 1-based): chr10:104,078,596, G>A on the plus strand (C>T on the coding strand, the complement: COL17A1 is on the minus strand). VCF-style: chr10-104078596-G-A. GRCh37 (hg19) VCF-style: chr10-105838354-G-A.
Other names: c.53-10C>T (LRG_1249t1).
Identifiers: ClinVar variation 298756 (VCV000298756.14), dbSNP rs116946544, ClinGen allele CA5679597.
Genomic context (GRCh38, chr10:104,078,596, plus strand): 5'-ACTTACTTGGTGGTAAGGATGTAAGTCTTGTGGTTACTGTTTCAGTGACAACTAGAAAAA[G>A]ACAAAGAAAAGATGAGTTCTTATGTAATGCACTGACACCTCTGGATCTTGGCAAGGTCTA-3'

ClinVar aggregate classification (germline): Benign/Likely benign. Review status: criteria provided, multiple submitters, no conflicts (2 of 4 stars). 4 submissions from 4 submitters: Benign (2); Likely benign (2). Last evaluated 2026-02-02.

Conditions:
Junctional epidermolysis bullosa, non-Herlitz type. Also called: EPIDERMOLYSIS BULLOSA JUNCTIONALIS, DISENTIS TYPE; EPIDERMOLYSIS BULLOSA JUNCTIONALIS, NON-HERLITZ TYPE; EPIDERMOLYSIS BULLOSA JUNCTIONALIS, PROGRESSIVE; EPIDERMOLYSIS BULLOSA JUNCTIONALIS, SEVERE NONLETHAL; Adult junctional epidermolysis bullosa; Epidermolysis bullosa, junctional, non-herlitz type, somatic mosaic revertant. Identifiers: Orphanet 251393, Orphanet 79402, Orphanet 79405, Orphanet 89840, MedGen C0268374, MONDO:0009180, OMIM 226650.

Allele frequency attached by ClinVar (database versions not stated): 1000 Genomes Project 0.00639; 1000 Genomes Project 30x 0.00750; TOPMed 0.01663; ExAC 0.01684; gnomAD exomes 0.01710 and 0.02551; gnomAD 0.01714 and 0.01760; ESP Exome Variant Server 0.01938.
gnomAD v4.1: 39,812 of 1,613,914 alleles (2.5%); highest among the groups gnomAD compares: Non-Finnish European, 2.9%; 628 homozygotes.

Submissions (4):

Labcorp Genetics (formerly Invitae), Labcorp
Classification: Benign. Last evaluated: 2026-02-02. Review status: criteria provided, single submitter. Criteria: Invitae Variant Classification Sherloc (09022015). Collection method: clinical testing. Allele origin: germline.

GeneDx
Classification: Likely benign. Last evaluated: 2021-05-04. Review status: criteria provided, single submitter. Criteria: GeneDx Variant Classification Process June 2021. Collection method: clinical testing. Allele origin: germline. Affected: yes.

Illumina Laboratory Services, Illumina
Classification: Benign for Junctional epidermolysis bullosa, non-Herlitz type. Last evaluated: 2018-01-12. Review status: criteria provided, single submitter. Criteria: ICSL Variant Classification Criteria 13 December 2019. Collection method: clinical testing. Allele origin: germline.
Comment: This variant was observed in the ICSL laboratory as part of a predisposition screen in an ostensibly healthy population. It had not been previously curated by ICSL or reported in the Human Gene Mutation Database (HGMD: prior to June 1st, 2018), and was therefore a candidate for classification through an automated scoring system. Utilizing variant allele frequency, disease prevalence and penetrance estimates, and inheritance mode, an automated score was calculated to assess if this variant is too frequent to cause the disease. Based on the score and internal cut-off values, a variant classified as benign is not then subjected to further curation. The score for this variant resulted in a classification of benign for this disease.

Breakthrough Genomics
Classification: Likely benign. Review status: criteria provided, single submitter. Criteria: ACMG Guidelines, 2015. Collection method: not provided. Allele origin: germline. Inheritance: Autosomal recessive inheritance. Affected: yes.